The following is an entry in ClinVar:

NM_000428.3(LTBP2):c.3563C>T (p.Pro1188Leu)

Gene: LTBP2 (latent transforming growth factor beta binding protein 2; minus strand). Cytogenetic location: 14q24.3.
Variant type: single nucleotide variant.
Coding change: c.3563C>T on transcript NM_000428.3 (MANE Select); coding-DNA position 3563, C replaced by T.
Protein change: p.Pro1188Leu; replaces proline 1188 with leucine.
Molecular consequence: missense variant.
Genome position (GRCh38, 1-based): chr14:74,508,693, G>A on the plus strand (C>T on the coding strand, the complement: LTBP2 is on the minus strand). VCF-style: chr14-74508693-G-A. GRCh37 (hg19) VCF-style: chr14-74975396-G-A.
Other names: short protein forms P1188L.
Identifiers: ClinVar variation 1310440 (VCV001310440.2), dbSNP rs2139694933, ClinGen allele CA390388195.
Genomic context (GRCh38, chr14:74,508,693, plus strand): 5'-ACGAAGCCAGGCGCGCACAGACAGAAGAAAGACCCGTGGCTGTTGAGGCACTCGCCGTGG[G>A]GTGCGCAGTGCTCCTCCCCCATGCACTCATTCACATCTGCAGGGAAAAGATGGGGAGTGG-3'
Protein context (NP_000419.1, residues 1178-1198): NECMGEEHCA[Pro1188Leu]HGECLNSHGS

ClinVar aggregate classification (germline): Uncertain significance (1 of 4 stars; one submission).

Submission:

GeneDx
Classification: Uncertain significance. Last evaluated: 2019-12-31. Review status: criteria provided, single submitter. Criteria: GeneDx Variant Classification Process June 2021. Collection method: clinical testing. Allele origin: germline. Affected: yes.
Comment: Not observed in large population cohorts (Lek et al., 2016); In silico analysis, which includes protein predictors and evolutionary conservation, supports a deleterious effect; Has not been previously published as pathogenic or benign to our knowledge